The following is an entry in ClinVar:

NM_016341.4(PLCE1):c.2953T>A (p.Leu985Ile)

Gene: PLCE1 (phospholipase C epsilon 1; plus strand). Cytogenetic location: 10q23.33.
Variant type: single nucleotide variant.
Coding change: c.2953T>A on transcript NM_016341.4 (MANE Select); coding-DNA position 2953, T replaced by A.
Protein change: p.Leu985Ile; replaces leucine 985 with isoleucine.
Molecular consequence: missense variant.
Genome position (GRCh38, 1-based): chr10:94,246,478, T>A. VCF-style: chr10-94246478-T-A. GRCh37 (hg19) VCF-style: chr10-96006235-T-A.
Other names: c.2029T>A, p.Leu677Ile (NM_001165979.2); c.2953T>A, p.Leu985Ile (NM_001288989.2); short protein forms L677I, L985I.
Identifiers: ClinVar variation 2122863 (VCV002122863.4), dbSNP rs777078366, ClinGen allele CA377641310.
Genomic context (GRCh38, chr10:94,246,478, plus strand): 5'-ATGTTCCTGTCAGAGACTGGTGTGACATTGCTCTATGGGCTTCAGACCACAGACAACAGA[T>A]TATTGCACTTCGTGGCACCAAAGCACACAGCTAAAATGCTCTTCAGCGGATTATTGGAAC-3'
Protein context (NP_057425.3, residues 975-995): LYGLQTTDNR[Leu985Ile]LHFVAPKHTA

ClinVar aggregate classification (germline): Uncertain significance (1 of 4 stars; one submission).

Submission:

Labcorp Genetics (formerly Invitae), Labcorp
Classification: Uncertain significance. Last evaluated: 2023-06-13. Review status: criteria provided, single submitter. Criteria: Invitae Variant Classification Sherloc (09022015). Collection method: clinical testing. Allele origin: germline.
Comment: Advanced modeling of protein sequence and biophysical properties (such as structural, functional, and spatial information, amino acid conservation, physicochemical variation, residue mobility, and thermodynamic stability) performed at Invitae indicates that this missense variant is not expected to disrupt PLCE1 protein function. ClinVar contains an entry for this variant (Variation ID: 2122863). This variant has not been reported in the literature in individuals affected with PLCE1-related conditions. This variant is not present in population databases (gnomAD no frequency). This sequence change replaces leucine, which is neutral and non-polar, with isoleucine, which is neutral and non-polar, at codon 985 of the PLCE1 protein (p.Leu985Ile). In summary, the available evidence is currently insufficient to determine the role of this variant in disease. Therefore, it has been classified as a Variant of Uncertain Significance.